The following is an entry in ClinVar:

NM_001042492.3(NF1):c.3287T>C (p.Met1096Thr)

Gene: NF1 (neurofibromin 1; plus strand). Cytogenetic location: 17q11.2.
Variant type: single nucleotide variant.
Coding change: c.3287T>C on transcript NM_001042492.3 (MANE Select); coding-DNA position 3287, T replaced by C.
Protein change: p.Met1096Thr; replaces methionine 1096 with threonine.
Molecular consequence: missense variant.
Genome position (GRCh38, 1-based): chr17:31,232,162, T>C. VCF-style: chr17-31232162-T-C. GRCh37 (hg19) VCF-style: chr17-29559180-T-C.
Other names: c.3287T>C, p.Met1096Thr (NM_000267.4); short protein forms M1096T.
Identifiers: ClinVar variation 216400 (VCV000216400.3), dbSNP rs863224659, ClinGen allele CA338036.

ClinVar aggregate classification (germline): Uncertain significance (1 of 4 stars; one submission).

Conditions:
Neurofibromatosis, type 1 (NF1). Also called: VON RECKLINGHAUSEN DISEASE; Peripheral type neurofibromatosis; Neurofibromatosis, type I; NEUROFIBROMATOSIS, TYPE I, SOMATIC. Identifiers: Orphanet 636, MedGen C0027831, MONDO:0018975, OMIM 162200. Disease mechanism: loss of function.

Submission:

Labcorp Genetics (formerly Invitae), Labcorp
Classification: Uncertain significance for Neurofibromatosis, type 1. Last evaluated: 2025-10-06. Review status: criteria provided, single submitter. Criteria: Invitae Variant Classification Sherloc (09022015). Collection method: clinical testing. Allele origin: germline.
Comment: This sequence change replaces methionine, which is neutral and non-polar, with threonine, which is neutral and polar, at codon 1096 of the NF1 protein (p.Met1096Thr). This variant is not present in population databases (gnomAD no frequency). This variant has not been reported in the literature in individuals affected with NF1-related conditions. ClinVar contains an entry for this variant (Variation ID: 216400). Invitae Evidence Modeling of protein sequence and biophysical properties (such as structural, functional, and spatial information, amino acid conservation, physicochemical variation, residue mobility, and thermodynamic stability) indicates that this missense variant is expected to disrupt NF1 protein function with a positive predictive value of 95%. In summary, the available evidence is currently insufficient to determine the role of this variant in disease. Therefore, it has been classified as a Variant of Uncertain Significance.